The following is an entry in ClinVar:

NM_002529.4(NTRK1):c.2352G>A (p.Leu784=)

Gene: NTRK1 (neurotrophic receptor tyrosine kinase 1; plus strand). Cytogenetic location: 1q23.1.
Variant type: single nucleotide variant.
Coding change: c.2352G>A on transcript NM_002529.4 (MANE Select); coding-DNA position 2352, G replaced by A.
Protein change: p.Leu784=; no amino-acid change (leucine 784 retained).
Molecular consequence: synonymous variant.
Genome position (GRCh38, 1-based): chr1:156,881,603, G>A. VCF-style: chr1-156881603-G-A. GRCh37 (hg19) VCF-style: chr1-156851395-G-A.
Other names: c.2334G>A, p.Leu778= (NM_001012331.2); c.2352G>A, p.Leu784= (NM_001007204.1); c.2244G>A, p.Leu748= (NM_001007792.1).
Identifiers: ClinVar variation 3234413 (VCV003234413.20), dbSNP rs2102931452, ClinGen allele CA421140683.

ClinVar aggregate classification (germline): Likely benign (1 of 4 stars; one submission).

Submission:

CeGaT Center for Human Genetics Tuebingen
Classification: Likely benign. Last evaluated: 2024-03-01. Review status: criteria provided, single submitter. Criteria: CeGaT Center For Human Genetics Tuebingen Variant Classification Criteria Version 2. Collection method: clinical testing. Allele origin: germline. Affected: yes. Observed: 1 variant allele.
Comment: NTRK1: PM2:Supporting, BP4, BP7